The following is an entry in ClinVar:

ClinVar aggregate classification (germline): Uncertain significance (1 of 4 stars; one submission).

Submission:

Ambry Genetics
Classification: Uncertain significance. Last evaluated: 2022-10-29. Review status: criteria provided, single submitter. Criteria: Ambry Variant Classification Scheme 2023. Collection method: clinical testing. Allele origin: germline.
Comment: The p.S79A variant (also known as c.235T>G), located in coding exon 4 of the RAD54L gene, results from a T to G substitution at nucleotide position 235. The serine at codon 79 is replaced by alanine, an amino acid with similar properties. This amino acid position is conserved. In addition, this alteration is predicted to be tolerated by in silico analysis. Since supporting evidence is limited at this time, the clinical significance of this alteration remains unclear.

NM_003579.4(RAD54L):c.235T>G (p.Ser79Ala)

Gene: RAD54L (RAD54 like; plus strand). Cytogenetic location: 1p34.1.
Variant type: single nucleotide variant.
Coding change: c.235T>G on transcript NM_003579.4 (MANE Select); coding-DNA position 235, T replaced by G.
Protein change: p.Ser79Ala; replaces serine 79 with alanine.
Molecular consequence: missense variant. On other transcripts: 5 prime UTR variant (1).
Genome position (GRCh38, 1-based): chr1:46,258,710, T>G. VCF-style: chr1-46258710-T-G. GRCh37 (hg19) VCF-style: chr1-46724382-T-G.
Other names: c.235T>G, p.Ser79Ala (NM_001142548.2); c.-306T>G (NM_001370766.1); short protein forms S79A.
Identifiers: ClinVar variation 1790146 (VCV001790146.2), dbSNP rs2525660225, ClinGen allele CA340180583.
Genomic context (GRCh38, chr1:46,258,710, plus strand): 5'-GTCAGTCCTGAATCCTTGTTTCTCCTTTCTTTTTAGGAAGCATTTATTCGAAGCATTTTG[T>G]CAAAGCCTTTCAAAGTCCCCATTCCAAATTATCAAGGTAAAATGGAGGTTTTTCTGTTTT-3'
Protein context (NP_003570.2, residues 69-89): QHEAFIRSIL[Ser79Ala]KPFKVPIPNY